The following is an entry in ClinVar:

NM_021008.4(DEAF1):c.121G>A (p.Val41Met)

Gene: DEAF1 (DEAF1 transcription factor; minus strand). Cytogenetic location: 11p15.5.
Variant type: single nucleotide variant.
Coding change: c.121G>A on transcript NM_021008.4 (MANE Select); coding-DNA position 121, G replaced by A.
Protein change: p.Val41Met; replaces valine 41 with methionine.
Molecular consequence: missense variant. On other transcripts: intron variant (1).
Genome position (GRCh38, 1-based): chr11:694,927, C>T on the plus strand (G>A on the coding strand, the complement: DEAF1 is on the minus strand). VCF-style: chr11-694927-C-T. GRCh37 (hg19) VCF-style: chr11-694927-C-T.
Other names: c.121G>A, p.Val41Met (NM_001293634.2); c.-437-3329G>A (NM_001367390.1); short protein forms V41M.
Identifiers: ClinVar variation 2629942 (VCV002629942.5), dbSNP rs778141911, ClinGen allele CA378939975.

ClinVar aggregate classification (germline): Uncertain significance. Review status: criteria provided, single submitter (1 of 4 stars). 2 submissions from 2 submitters: Uncertain significance (1). 1 of the submissions does not count toward it. Last evaluated 2025-07-14.

Conditions:
DEAF1-related disorder.

Submissions (2):

Labcorp Genetics (formerly Invitae), Labcorp
Classification: Uncertain significance. Last evaluated: 2025-07-14. Review status: criteria provided, single submitter. Criteria: Invitae Variant Classification Sherloc (09022015). Collection method: clinical testing. Allele origin: germline.
Comment: This sequence change replaces valine, which is neutral and non-polar, with methionine, which is neutral and non-polar, at codon 41 of the DEAF1 protein (p.Val41Met). The frequency data for this variant in the population databases is considered unreliable, as metrics indicate poor data quality at this position in the gnomAD database. This variant has not been reported in the literature in individuals affected with DEAF1-related conditions. ClinVar contains an entry for this variant (Variation ID: 2629942). Invitae Evidence Modeling of protein sequence and biophysical properties (such as structural, functional, and spatial information, amino acid conservation, physicochemical variation, residue mobility, and thermodynamic stability) indicates that this missense variant is not expected to disrupt DEAF1 protein function with a negative predictive value of 80%. In summary, the available evidence is currently insufficient to determine the role of this variant in disease. Therefore, it has been classified as a Variant of Uncertain Significance.

PreventionGenetics, part of Exact Sciences
Classification: Uncertain significance for DEAF1-related condition. Last evaluated: 2024-08-23. Review status: no assertion criteria provided. Collection method: clinical testing. Allele origin: germline. Not counted in ClinVar's aggregate classification.
Comment: The DEAF1 c.121G>A variant is predicted to result in the amino acid substitution p.Val41Met. To our knowledge, this variant has not been reported in the literature. This variant is reported in 0.012% of alleles in individuals of Latino descent in gnomAD. At this time, the clinical significance of this variant is uncertain due to the absence of conclusive functional and genetic evidence.